The following is an entry in ClinVar:

ClinVar aggregate classification (germline): Conflicting classifications of pathogenicity. Review status: criteria provided, conflicting classifications (1 of 4 stars). 4 submissions from 4 submitters: Uncertain significance (3); Likely benign (1). Last evaluated 2025-02-14.

Conditions:
ZNF407-related disorder. Also called: ZNF407-related condition.

Allele frequency attached by ClinVar (database versions not stated): gnomAD exomes 0.00007; TOPMed 0.00014; gnomAD 0.00019 and 0.00020.
gnomAD v4.1: 67 of 1,613,884 alleles (0.0042%); highest among the groups gnomAD compares: Admixed American, 0.097%; no homozygotes.

Submissions (4):

GeneDx
Classification: Uncertain significance. Last evaluated: 2025-02-14. Review status: criteria provided, single submitter. Criteria: GeneDx Variant Classification Process June 2021. Collection method: clinical testing. Allele origin: germline. Affected: yes.
Comment: In silico analysis supports that this missense variant does not alter protein structure/function; Has not been previously published as pathogenic or benign to our knowledge

PreventionGenetics, part of Exact Sciences
Classification: Uncertain significance for ZNF407-related condition. Last evaluated: 2023-03-28. Review status: criteria provided, single submitter. Criteria: ACMG Guidelines, 2015. Collection method: clinical testing. Allele origin: germline.
Comment: The ZNF407 c.4010A>G variant is predicted to result in the amino acid substitution p.Tyr1337Cys. To our knowledge, this variant has not been reported in the literature. This variant is reported in 0.046% of alleles in individuals of Latino descent in gnomAD. At this time, the clinical significance of this variant is uncertain due to the absence of conclusive functional and genetic evidence.

Ambry Genetics
Classification: Uncertain significance. Last evaluated: 2021-12-06. Review status: criteria provided, single submitter. Criteria: Ambry Variant Classification Scheme 2023. Collection method: clinical testing. Allele origin: germline.

Genetic Services Laboratory, University of Chicago
Classification: Likely benign. Last evaluated: 2017-01-09. Review status: criteria provided, single submitter. Criteria: ACMG Guidelines, 2015. Collection method: clinical testing. Allele origin: germline. Affected: no.

NM_017757.3(ZNF407):c.4010A>G (p.Tyr1337Cys)

Gene: ZNF407 (zinc finger protein 407; plus strand). Cytogenetic location: 18q22.3.
Variant type: single nucleotide variant.
Coding change: c.4010A>G on transcript NM_017757.3 (MANE Select); coding-DNA position 4010, A replaced by G.
Protein change: p.Tyr1337Cys; replaces tyrosine 1337 with cysteine.
Molecular consequence: missense variant.
Genome position (GRCh38, 1-based): chr18:74,635,029, A>G. VCF-style: chr18-74635029-A-G. GRCh37 (hg19) VCF-style: chr18-72346985-A-G.
Other names: c.4010A>G, p.Tyr1337Cys (NM_001146189.1, NM_001146190.1, NM_001384475.1); short protein forms Y1337C.
Identifiers: ClinVar variation 212669 (VCV000212669.11), dbSNP rs760492866, ClinGen allele CA206274.
Genomic context (GRCh38, chr18:74,635,029, plus strand): 5'-AATTTATTTTGGAGGAGGATGGCCCAGCTTCTGATAGCACAGTTGAAAGTAGTGATGTCT[A>G]TGAAACTATAATTAGTATTGATGATAAAGGGCAGGCCATGTACAGTTTTGGTCGATTTGA-3'
Protein context (NP_060227.2, residues 1327-1347): SDSTVESSDV[Tyr1337Cys]ETIISIDDKG